The following is an entry in ClinVar:

ClinVar aggregate classification (germline): Likely pathogenic (1 of 4 stars; one submission).

Conditions:
Dilated cardiomyopathy 1G (CMD1G). Identifiers: Orphanet 154, MedGen C1858763, MONDO:0011400, OMIM 604145.
Autosomal recessive limb-girdle muscular dystrophy type 2J (LGMDR10). Also called: Limb-girdle muscular dystrophy, type 2J; MUSCULAR DYSTROPHY, LIMB-GIRDLE, AUTOSOMAL RECESSIVE 10. Identifiers: Orphanet 140922, MedGen C1837342, MONDO:0012127, OMIM 608807.

Submission:

Labcorp Genetics (formerly Invitae), Labcorp
Classification: Likely pathogenic for Dilated cardiomyopathy 1G; Autosomal recessive limb-girdle muscular dystrophy type 2J. Last evaluated: 2024-01-11. Review status: criteria provided, single submitter. Criteria: Invitae Variant Classification Sherloc (09022015). Collection method: clinical testing. Allele origin: germline.
Comment: This sequence change creates a premature translational stop signal (p.Pro18197Asnfs*20) in the TTN gene. While this is not anticipated to result in nonsense mediated decay, it is expected to create a truncated TTN protein. This variant is not present in population databases (gnomAD no frequency). This variant has not been reported in the literature in individuals affected with TTN-related conditions. This variant is located in the A band of TTN (PMID: 25589632). Truncating variants in this region are significantly overrepresented in patients affected with dilated cardiomyopathy (PMID: 25589632). Truncating variants in this region have also been reported in individuals affected with autosomal recessive centronuclear myopathy (PMID: 23975875). In summary, the currently available evidence indicates that the variant is pathogenic, but additional data are needed to prove that conclusively. Therefore, this variant has been classified as Likely Pathogenic.

Literature cited by the submitters: PubMed 25589632; PubMed 23975875.

NM_001267550.2(TTN):c.54588_54589del (p.Pro18197fs)

Genes: TTN-AS1 (TTN antisense RNA 1; plus strand), TTN (titin; minus strand). Cytogenetic location: 2q31.2.
Variant type: Microsatellite.
Coding change: c.54588_54589del on transcript NM_001267550.2 (MANE Select); coding-DNA positions 54588 to 54589, 2 bases deleted (TC; older notation c.54588_54589delTC).
Protein change: p.Pro18197fs; shifts the reading frame from proline 18197.
Molecular consequence: frameshift variant.
Genome position (GRCh38, 1-based): chr2:178,604,098-178,604,099, GA deleted on the plus strand (TC on the coding strand, the reverse complement: TTN is on the minus strand); deleting any 2 consecutive bases within chr2:178,604,098-178,604,102 gives the same sequence; the c. name uses the placement nearest the transcript's 3' end. VCF-style (leftmost placement, unchanged base first): chr2-178604097-GGA-G. GRCh37 (hg19) VCF-style: chr2-179468824-GGA-G.
Other names: c.49665_49666del, p.Pro16556fs (NM_001256850.1); c.27393_27394del, p.Pro9132fs (NM_003319.4); c.46884_46885del, p.Pro15629fs (NM_133378.4); c.27768_27769del, p.Pro9257fs (NM_133432.3); c.27969_27970del, p.Pro9324fs (NM_133437.4); short protein forms P9324fs, P18197fs, P9257fs, P15629fs, P16556fs, P9132fs.
Identifiers: ClinVar variation 2922122 (VCV002922122.3), dbSNP rs2470118509, ClinGen allele CA2740096111.